The following is an entry in ClinVar:

NM_000426.4(LAMA2):c.4147_4148insGAAGGGGAGGAGCCAAGATGGCCGAATAGGAACAGCTCCGGTCTACAGCTCCCAGCGTGAGCGACGCAGAAGANNNNNNNNNNAAAAAAAAAAAAAAAAAAAAGAAAAATGTGATTGTC (p.Pro1383delinsArgArgGlyGlyAlaLysMetAlaGluTer)

Gene: LAMA2 (laminin subunit alpha 2; plus strand). Cytogenetic location: 6q22.33.
Variant type: Insertion.
Coding change: c.4147_4148insGAAGGGGAGGAGCCAAGATGGCCGAATAGGAACAGCTCCGGTCTACAGCTCCCAGCGTGAGCGACGCAGAAGANNNNNNNNNNAAAAAAAAAAAAAAAAAAAAGAAAAATGTGATTGTC on transcript NM_000426.4 (MANE Select); coding-DNA positions 4147 to 4148, GAAGGGGAGGAGCCAAGATGGCCGAATAGGAACAGCTCCGGTCTACAGCTCCCAGCGTGAGCGACGCAGAAGANNNNNNNNNNAAAAAAAAAAAAAAAAAAAAGAAAAATGTGATTGTC inserted.
Protein change: p.Pro1383delinsArgArgGlyGlyAlaLysMetAlaGluTer.
Molecular consequence: nonsense.
Genome position: GRCh38: chr6:129,320,626-129,320,627. GRCh37 (hg19): chr6:129,641,771-129,641,772.
Other names: c.4147_4148insGAAGGGGAGGAGCCAAGATGGCCGAATAGGAACAGCTCCGGTCTACAGCTCCCAGCGTGAGCGACGCAGAAGANNNNNNNNNNAAAAAAAAAAAAAAAAAAAAGAAAAATGTGATTGTC, p.Pro1383delinsArgArgGlyGlyAlaLysMetAlaGluTer (NM_001079823.2).
Identifiers: ClinVar variation 2836541 (VCV002836541.3), dbSNP rs2482439920.

ClinVar aggregate classification (germline): Pathogenic (1 of 4 stars; one submission).

Conditions:
LAMA2-related muscular dystrophy (LAMA2-RD). Also called: Laminin alpha 2-related dystrophy. Identifiers: MedGen C5679788, MONDO:0100228.

Submission:

Labcorp Genetics (formerly Invitae), Labcorp
Classification: Pathogenic for LAMA2-related muscular dystrophy. Last evaluated: 2023-02-11. Review status: criteria provided, single submitter. Criteria: Invitae Variant Classification Sherloc (09022015). Collection method: clinical testing. Allele origin: germline.
Comment: This sequence change inserts a large fragment of DNA, likely a transposable element, in exon 28 of the LAMA2 gene (c.4147_4148ins?), causing a frameshift at codon 1383 (p.Pro1383fs). The exact size and sequence of the insertion cannot be determined by the current assay. However, the insertion is expected to result in an absent or disrupted protein product. This variant is not present in population databases (gnomAD no frequency). This variant has not been reported in the literature in individuals affected with LAMA2-related conditions. Retrotransposon insertions including LINE1 (L1), Alu, and SVA (SINE-VNTR-Alu) have been reported to be disease-causing through disruption of either a coding region or splice site (PMID: 19763152, 20307669, 22406018) and loss-of-function variants in LAMA2 are known to be pathogenic (PMID: 18700894, 32904964). For these reasons, this variant has been classified as Pathogenic.

Literature cited by the submitters: PubMed 19763152; PubMed 20307669; PubMed 22406018; PubMed 18700894; PubMed 32904964.